The following is an entry in ClinVar:

ClinVar aggregate classification (germline): Conflicting classifications of pathogenicity. Review status: criteria provided, conflicting classifications (1 of 4 stars). 7 submissions from 7 submitters: Likely pathogenic (4); Uncertain significance (1). 2 of the submissions do not count toward it. Last evaluated 2026-05-14.

Conditions:
Bleeding and platelet disorders.
ACTN1-related disorder. Also called: ACTN1-related condition.
Macrothrombocytopenia. Identifiers: MedGen C2751260, HP:0040185.
Platelet-type bleeding disorder 15 (BDPLT15). Also called: MACROTHROMBOCYTOPENIA, AUTOSOMAL DOMINANT, ACTN1-RELATED. Identifiers: Orphanet 140957, MedGen C3554663, MONDO:0014078, OMIM 615193.

Allele frequency attached by ClinVar (database versions not stated): gnomAD exomes below 0.00001.
gnomAD v4.1: 1 of 1,614,202 alleles (0.000062%); highest among the groups gnomAD compares: Non-Finnish European, 0.000085%; no homozygotes.

Submissions (7):

North West Genomic Laboratory Hub, Manchester University NHS Foundation Trust
Classification: Likely pathogenic for Bleeding and platelet disorders. Last evaluated: 2026-05-14. Review status: criteria provided, single submitter. Criteria: ACGS Best Practice Guidelines for Variant Classification in Rare Disease 2024. Collection method: clinical testing. Allele origin: germline. Affected: yes.
Comment: PS4_Mod PM2_Mod PM5_Mod PP3_Supp

CeGaT Center for Human Genetics Tuebingen
Classification: Likely pathogenic. Last evaluated: 2026-05-01. Review status: criteria provided, single submitter. Criteria: CeGaT Center For Human Genetics Tuebingen Variant Classification Criteria Version 2. Collection method: clinical testing. Allele origin: germline. Affected: yes. Observed: 1 variant allele.
Comment: ACTN1: PM2, PM5, PS4:Moderate

PreventionGenetics, part of Exact Sciences
Classification: Likely pathogenic for ACTN1-related condition. Last evaluated: 2026-01-26. Review status: criteria provided, single submitter. Criteria: ACMG Guidelines, 2015. Collection method: clinical testing. Allele origin: germline.
Comment: The ACTN1 c.2212C>T variant is predicted to result in the amino acid substitution p.Arg738Trp. This variant has been reported in individuals with macrothrombocytopenia or thrombocytopenia (Kunishima et al. 2013. PubMed ID: 23434115; Boutroux et al. 2017. PubMed ID: 28562514; Bottega et al. 2015. PubMed ID: 25361813; Vincenot et al. 2019. PubMed ID: 31237726). In vitro functional study in Chinese hamster ovary cells showed that the c.2212C>T variant results in disorganized actin filaments (Kunishima et al. 2013. PubMed ID: 23434115). However, another functional study in HeLa cells showed that this variant only a slight increase in bundling activity (O'Sullivan et al. 2019. PubMed ID: 31365757). An alternate missense change at the same amino acid position (p.Arg738Gln) has been reported in individuals with thrombocytopenia (Westbury et al. 2015. PubMed ID: 25949529; Boutroux et al. 2017. PubMed ID: 28562514; Lin et al. 2023. PubMed ID: 38103590). This variant has not been reported in a large population database (gnomAD), indicating this variant is rare. This variant is interpreted as likely pathogenic.

Labcorp Genetics (formerly Invitae), Labcorp
Classification: Uncertain significance. Last evaluated: 2025-12-06. Review status: criteria provided, single submitter. Criteria: Invitae Variant Classification Sherloc (09022015). Collection method: clinical testing. Allele origin: germline.
Comment: This sequence change replaces arginine, which is basic and polar, with tryptophan, which is neutral and slightly polar, at codon 738 of the ACTN1 protein (p.Arg738Trp). This variant is not present in population databases (gnomAD no frequency). This missense change has been observed in individual(s) with thrombocytopenia (PMID: 23434115, 25361813, 28562514, 31237726, 32581362). ClinVar contains an entry for this variant (Variation ID: 42032). An algorithm developed to predict the effect of missense changes on protein structure and function (PolyPhen-2) suggests that this variant is likely to be disruptive. Experimental studies have shown that this missense change does not substantially affect ACTN1 function (PMID: 31365757). In summary, the available evidence is currently insufficient to determine the role of this variant in disease. Therefore, it has been classified as a Variant of Uncertain Significance.

3billion
Classification: Likely pathogenic for Platelet-type bleeding disorder 15. Last evaluated: 2025-07-30. Review status: criteria provided, single submitter. Criteria: ACMG Guidelines, 2015. Collection method: clinical testing. Allele origin: germline. Affected: yes.
Comment: The variant is observed at an extremely low frequency in the gnomAD v4.1.0 dataset (total allele frequency: <0.001%). Predicted Consequence/Location: Missense variant. Missense changes are a common disease-causing mechanism. In silico tool predictions suggest damaging effect of the variant on gene or gene product [3Cnet: 0.95 (> 0.75, sensitivity 0.96 and precision 0.92)]. The same nucleotide change resulting in the same amino acid change has been previously reported to be associated with ACTN1-related disorder (ClinVar ID: VCV000042032 /PMID: 23434115).Different missense changes at the same codon (p.Arg738Gln, p.Arg738Gly) have been reported as pathogenic/likely pathogenic with strong evidence (ClinVar ID: VCV000872047, VCV001684471 /PMID: 25949529). Therefore, this variant is classified as Likely pathogenic according to the recommendation of ACMG/AMP guideline.

OMIM
Classification: Pathogenic for BLEEDING DISORDER, PLATELET-TYPE, 15. Last evaluated: 2013-03-07. Review status: no assertion criteria provided. Collection method: literature only. Allele origin: germline. Not counted in ClinVar's aggregate classification.

NIHR Bioresource Rare Diseases, University of Cambridge
Classification: Likely pathogenic for Macrothrombocytopenia. Review status: no assertion criteria provided. Collection method: research. Allele origin: unknown. Affected: yes. Observed: 1 variant allele. Not counted in ClinVar's aggregate classification.

Literature cited by the submitters: PubMed 23434115 (cited by 3 submitters); PubMed 25361813 (cited by Labcorp Genetics (formerly Invitae), Labcorp); PubMed 28562514 (cited by Labcorp Genetics (formerly Invitae), Labcorp); PubMed 31237726 (cited by Labcorp Genetics (formerly Invitae), Labcorp); PubMed 32581362 (cited by Labcorp Genetics (formerly Invitae), Labcorp and NIHR Bioresource Rare Diseases, University of Cambridge); PubMed 31365757 (cited by Labcorp Genetics (formerly Invitae), Labcorp); PubMed 25949529 (cited by 3billion).

NM_001130004.2(ACTN1):c.2212C>T (p.Arg738Trp)

Gene: ACTN1 (actinin alpha 1; minus strand). Cytogenetic location: 14q24.1.
Variant type: single nucleotide variant.
Coding change: c.2212C>T on transcript NM_001130004.2 (MANE Select); coding-DNA position 2212, C replaced by T.
Protein change: p.Arg738Trp; replaces arginine 738 with tryptophan.
Molecular consequence: missense variant.
Genome position (GRCh38, 1-based): chr14:68,880,030, G>A on the plus strand (C>T on the coding strand, the complement: ACTN1 is on the minus strand). VCF-style: chr14-68880030-G-A. GRCh37 (hg19) VCF-style: chr14-69346747-G-A.
Other names: c.2212C>T, p.Arg738Trp (NM_001102.4, NM_001130005.2); c.2212C>T (NM_001130004.1); short protein forms R738W.
Identifiers: ClinVar variation 42032 (VCV000042032.11), dbSNP rs387907349, ClinGen allele CA130970.
Genomic context (GRCh38, chr14:68,880,030, plus strand): 5'-AGTGGTTGAAGGAGGCCCGGAACTCATTCATCTGCTCCTGGCTGATGCCCTTGGCATCCC[G>A]GGTCAGGATCTGGTTCTCTACCTCATTGATGGTCCTGGCGATGGTGGTGAGCAGCTGCTC-3'
Protein context (NP_001123476.1, residues 728-748): INEVENQILT[Arg738Trp]DAKGISQEQM